The following is an entry in ClinVar:

ClinVar aggregate classification (germline): Pathogenic. Review status: criteria provided, multiple submitters, no conflicts (2 of 4 stars). 2 submissions from 2 submitters: Pathogenic (2). Last evaluated 2025-08-28.

Conditions:
Bloom syndrome (BLM). Also called: Bloom-Torre-Machacek syndrome. Identifiers: Orphanet 125, MedGen C0005859, MONDO:0008876, OMIM 210900.

Submissions (2):

Labcorp Genetics (formerly Invitae), Labcorp
Classification: Pathogenic for Bloom syndrome. Last evaluated: 2025-08-28. Review status: criteria provided, single submitter. Criteria: Invitae Variant Classification Sherloc (09022015). Collection method: clinical testing. Allele origin: germline.
Comment: This sequence change creates a premature translational stop signal (p.Ser706Leufs*11) in the BLM gene. It is expected to result in an absent or disrupted protein product. Loss-of-function variants in BLM are known to be pathogenic (PMID: 17407155). This variant is not present in population databases (gnomAD no frequency). This variant has not been reported in the literature in individuals affected with BLM-related conditions. For these reasons, this variant has been classified as Pathogenic.

Natera, Inc.
Classification: Pathogenic for Bloom syndrome. Last evaluated: 2024-04-08. Review status: criteria provided, single submitter. Criteria: Natera Variant Classification Schema (03/2026). Collection method: clinical testing. Allele origin: germline.
Comment: The c.2116delT variant in BLM is a frameshift variant predicted to shift the reading frame beginning at codon 706 and leads to a stop codon 11 codons downstream. This variant is expected to result in nonsense mediated decay, truncation, or a dysfunctional protein product. This variant is rare in the general population with a frequency below the threshold expected for the associated phenotype(s). This variant has been observed in one or more individuals affected with the associated recessive disease, as either homozygous or compound heterozygous with a second variant (PMID: 31918214). Given the available evidence, this variant is classified as Pathogenic.

Literature cited by the submitters: PubMed 17407155 (cited by Labcorp Genetics (formerly Invitae), Labcorp); PubMed 31918214 (cited by Natera, Inc.).

NM_000057.4(BLM):c.2116del (p.Ser706fs)

Gene: BLM (BLM RecQ like helicase; plus strand). Cytogenetic location: 15q26.1.
Variant type: Deletion.
Coding change: c.2116del on transcript NM_000057.4 (MANE Select); coding-DNA position 2116, one base deleted (T; older notation c.2116delT).
Protein change: p.Ser706fs; shifts the reading frame from serine 706.
Molecular consequence: frameshift variant.
Genome position (GRCh38, 1-based): chr15:90,765,337, T deleted; the last of 3 consecutive T bases (chr15:90,765,335-90,765,337); deleting any one gives the same sequence. VCF-style (leftmost placement, unchanged base first): chr15-90765334-GT-G. GRCh37 (hg19) VCF-style: chr15-91308564-GT-G.
Other names: c.2116del, p.Ser706fs (NM_001287246.2, NM_001287247.2); c.991del, p.Ser331fs (NM_001287248.2); c.2116delT (NM_000057.3); short protein forms S706fs, S331fs.
Identifiers: ClinVar variation 4726154 (VCV004726154.2).
Genomic context (GRCh38, chr15:90,765,334, plus strand): 5'-TTTTTTCATTGTTCTCTTTCAGGAGGTGGTAAGAGTTTGTGTTACCAGCTCCCTGCCTGT[GT>G]TTCTCCTGGGGTCACTGTTGTCATTTCTCCCTTGAGATCACTTATCGTAGATCAAGTCCA-3'